The following is an entry in ClinVar:

NM_004281.4(BAG3):c.658G>A (p.Ala220Thr)

Gene: BAG3 (BAG cochaperone 3; plus strand). Cytogenetic location: 10q26.11.
Variant type: single nucleotide variant.
Coding change: c.658G>A on transcript NM_004281.4 (MANE Select); coding-DNA position 658, G replaced by A.
Protein change: p.Ala220Thr; replaces alanine 220 with threonine.
Molecular consequence: missense variant.
Genome position (GRCh38, 1-based): chr10:119,672,405, G>A. VCF-style: chr10-119672405-G-A. GRCh37 (hg19) VCF-style: chr10-121431917-G-A.
Other names: short protein forms A220T.
Identifiers: ClinVar variation 1377156 (VCV001377156.6), dbSNP rs1847164154, ClinGen allele CA378295525.
Genomic context (GRCh38, chr10:119,672,405, plus strand): 5'-CAGCTCCCGCGGGGGTACATCTCCATTCCGGTGATACACGAGCAGAACGTTACCCGGCCA[G>A]CAGCCCAGCCCTCCTTCCACCAAGCCCAGAAGACGCACTACCCAGCGCAGCAGGGGGAGT-3'
Protein context (NP_004272.2, residues 210-230): VIHEQNVTRP[Ala220Thr]AQPSFHQAQK

ClinVar aggregate classification (germline): Uncertain significance (1 of 4 stars; one submission).

Conditions:
Dilated cardiomyopathy 1HH (CMD1HH). Identifiers: Orphanet 154, MedGen C3151293, MONDO:0013479, OMIM 613881.
Myofibrillar myopathy 6. Identifiers: Orphanet 199340, MedGen C2751831, MONDO:0013061, OMIM 612954.

Allele frequency attached by ClinVar (database versions not stated): gnomAD exomes below 0.00001.
gnomAD v4.1: 1 of 1,614,166 alleles (0.000062%); highest among the groups gnomAD compares: Non-Finnish European, 0.000085%; no homozygotes.

Submission:

Labcorp Genetics (formerly Invitae), Labcorp
Classification: Uncertain significance for Dilated cardiomyopathy 1HH; Myofibrillar myopathy 6. Last evaluated: 2022-09-26. Review status: criteria provided, single submitter. Criteria: Invitae Variant Classification Sherloc (09022015). Collection method: clinical testing. Allele origin: germline.
Comment: Advanced modeling of protein sequence and biophysical properties (such as structural, functional, and spatial information, amino acid conservation, physicochemical variation, residue mobility, and thermodynamic stability) performed at Invitae indicates that this missense variant is not expected to disrupt BAG3 protein function. This sequence change replaces alanine, which is neutral and non-polar, with threonine, which is neutral and polar, at codon 220 of the BAG3 protein (p.Ala220Thr). This variant is not present in population databases (gnomAD no frequency). This variant has not been reported in the literature in individuals affected with BAG3-related conditions. ClinVar contains an entry for this variant (Variation ID: 1377156). In summary, the available evidence is currently insufficient to determine the role of this variant in disease. Therefore, it has been classified as a Variant of Uncertain Significance.